The following is an entry in ClinVar:

ClinVar aggregate classification (germline): Uncertain significance (1 of 4 stars; one submission).

Conditions:
Hereditary cancer-predisposing syndrome. Also called: Neoplastic Syndromes, Hereditary; Tumor predisposition; Hereditary Cancer Syndrome; Hereditary neoplastic syndrome. Identifiers: Orphanet 140162, MedGen C0027672, MeSH D009386, MONDO:0015356.

gnomAD v4.1: 1 of 1,614,038 alleles (0.000062%); highest among the groups gnomAD compares: South Asian, 0.0011%; no homozygotes.

Submission:

Ambry Genetics
Classification: Uncertain significance for Hereditary cancer-predisposing syndrome. Last evaluated: 2025-09-24. Review status: criteria provided, single submitter. Criteria: Ambry Variant Classification Scheme 2023. Collection method: clinical testing. Allele origin: germline.
Comment: The p.V240L variant (also known as c.718G>T), located in coding exon 7 of the POLE gene, results from a G to T substitution at nucleotide position 718. The valine at codon 240 is replaced by leucine, an amino acid with highly similar properties. This amino acid position is highly conserved in available vertebrate species. In addition, this alteration is predicted to be tolerated by in silico analysis. Based on the available evidence, the clinical significance of this variant remains unclear.

NM_006231.4(POLE):c.718G>T (p.Val240Leu)

Gene: POLE (DNA polymerase epsilon, catalytic subunit; minus strand). Cytogenetic location: 12q24.33.
Variant type: single nucleotide variant.
Coding change: c.718G>T on transcript NM_006231.4 (MANE Select); coding-DNA position 718, G replaced by T.
Protein change: p.Val240Leu; replaces valine 240 with leucine.
Molecular consequence: missense variant.
Genome position (GRCh38, 1-based): chr12:132,677,580, C>A on the plus strand (G>T on the coding strand, the complement: POLE is on the minus strand). VCF-style: chr12-132677580-C-A. GRCh37 (hg19) VCF-style: chr12-133254166-C-A.
Other names: short protein forms V240L.
Identifiers: ClinVar variation 4671322 (VCV004671322.1).